The following is an entry in ClinVar:

NM_003482.4(KMT2D):c.7863C>G (p.Pro2621=)

Gene: KMT2D (lysine methyltransferase 2D; minus strand). Cytogenetic location: 12q13.12.
Variant type: single nucleotide variant.
Coding change: c.7863C>G on transcript NM_003482.4 (MANE Select); coding-DNA position 7863, C replaced by G.
Protein change: p.Pro2621=; no amino-acid change (proline 2621 retained).
Molecular consequence: synonymous variant.
Genome position (GRCh38, 1-based): chr12:49,039,907, G>C on the plus strand (C>G on the coding strand, the complement: KMT2D is on the minus strand). VCF-style: chr12-49039907-G-C. GRCh37 (hg19) VCF-style: chr12-49433690-G-C.
Identifiers: ClinVar variation 3031369 (VCV003031369.2), dbSNP rs766732127, ClinGen allele CA6546978.

ClinVar aggregate classification (germline): Likely benign (0 of 4 stars; one submission).

Conditions:
KMT2D-related disorder. Also called: KMT2D-Related Disorders.

Allele frequency attached by ClinVar (database versions not stated): gnomAD 0.00001; TOPMed 0.00001.
gnomAD v4.1: 35 of 1,613,902 alleles (0.0022%); highest among the groups gnomAD compares: Non-Finnish European, 0.003%; no homozygotes.

Submission:

PreventionGenetics, part of Exact Sciences
Classification: Likely benign for KMT2D-related condition. Last evaluated: 2021-12-15. Review status: no assertion criteria provided. Collection method: clinical testing. Allele origin: germline.
Comment: This variant is classified as likely benign based on ACMG/AMP sequence variant interpretation guidelines (Richards et al. 2015 PMID: 25741868, with internal and published modifications).